The following is an entry in ClinVar:

ClinVar aggregate classification (germline): Benign. Review status: criteria provided, multiple submitters, no conflicts (2 of 4 stars). 5 submissions from 5 submitters: Benign (5). Last evaluated 2026-02-01.

Conditions:
Autosomal recessive nonsyndromic hearing loss 8 (DFNB8). Also called: Deafness, autosomal recessive 10; NEUROSENSORY NONSYNDROMIC RECESSIVE DEAFNESS 8. Identifiers: Orphanet 90636, MedGen C1832827, MONDO:0010987, OMIM 601072.

Allele frequency attached by ClinVar (database versions not stated): gnomAD exomes 0.00308 and 0.00122; ExAC 0.00355; 1000 Genomes Project 0.00958; gnomAD 0.01047 and 0.00988; TOPMed 0.01131; 1000 Genomes Project 30x 0.01015; ESP Exome Variant Server 0.01176.
gnomAD v4.1: 3,380 of 1,614,164 alleles (0.21%); highest among the groups gnomAD compares: African/African-American, 3.4%; 42 homozygotes.

Submissions (5):

Labcorp Genetics (formerly Invitae), Labcorp
Classification: Benign. Last evaluated: 2026-02-01. Review status: criteria provided, single submitter. Criteria: Invitae Variant Classification Sherloc (09022015). Collection method: clinical testing. Allele origin: germline.

Fulgent Genetics
Classification: Benign for Autosomal recessive nonsyndromic hearing loss 8. Last evaluated: 2021-07-30. Review status: criteria provided, single submitter. Criteria: ACMG Guidelines, 2015. Collection method: clinical testing. Allele origin: unknown.

Laboratory for Molecular Medicine, Mass General Brigham Personalized Medicine
Classification: Benign. Last evaluated: 2012-05-07. Review status: criteria provided, single submitter. Criteria: LMM Criteria. Collection method: clinical testing. Allele origin: germline. Observed: 18 variant alleles.
Comment: "Leu323Leu in Exon 09 of TMPRSS3: This variant is not expected to have clinical significance because it does not alter an amino acid residue, is not located wit hin the splice consensus sequence, and has been identified in 3.4% (126/3738) of African American chromosomes from a broad population by the NHLBI Exome Sequenc ing Project (dbSNP rs115489719)."

Breakthrough Genomics
Classification: Benign. Review status: criteria provided, single submitter. Criteria: ACMG Guidelines, 2015. Collection method: not provided. Allele origin: germline. Inheritance: Autosomal recessive inheritance. Affected: yes.

PreventionGenetics, part of Exact Sciences
Classification: Benign. Review status: criteria provided, single submitter. Criteria: ACMG Guidelines, 2015. Collection method: clinical testing. Allele origin: germline.

NM_001256317.3(TMPRSS3):c.952+17A>G

Gene: TMPRSS3 (transmembrane serine protease 3; minus strand). Cytogenetic location: 21q22.3.
Variant type: single nucleotide variant.
Coding change: c.952+17A>G on transcript NM_001256317.3 (MANE Select); 17 bases into the intron after coding-DNA position 952, A replaced by G.
Molecular consequence: intron variant. On other transcripts: synonymous variant (1).
Genome position (GRCh38, 1-based): chr21:42,382,048, T>C on the plus strand (A>G on the coding strand, the complement: TMPRSS3 is on the minus strand). VCF-style: chr21-42382048-T-C. GRCh37 (hg19) VCF-style: chr21-43802157-T-C.
Other names: c.969A>G, p.Leu323= (NM_032405.2); c.952+17A>G (NM_024022.4); c.571+17A>G (NM_032404.3).
Identifiers: ClinVar variation 46133 (VCV000046133.15), dbSNP rs115489719, ClinGen allele CA137733.